The following is an entry in ClinVar:

ClinVar aggregate classification (germline): Uncertain significance. Review status: criteria provided, multiple submitters, no conflicts (2 of 4 stars). 3 submissions from 3 submitters: Uncertain significance (3). Last evaluated 2025-07-16.

Conditions:
Inborn genetic diseases. Identifiers: MedGen C0950123, MeSH D030342.

Allele frequency attached by ClinVar (database versions not stated): gnomAD 0.00001 and 0.00002; ExAC 0.00004.
gnomAD v4.1: 38 of 1,592,570 alleles (0.0024%); highest among the groups gnomAD compares: Non-Finnish European, 0.0029%; no homozygotes.

Submissions (3):

Ambry Genetics
Classification: Uncertain significance for Inborn genetic diseases. Last evaluated: 2025-07-16. Review status: criteria provided, single submitter. Criteria: Ambry Variant Classification Scheme 2023. Collection method: clinical testing. Allele origin: germline.

GeneDx
Classification: Uncertain significance. Last evaluated: 2024-05-29. Review status: criteria provided, single submitter. Criteria: GeneDx Variant Classification Process June 2021. Collection method: clinical testing. Allele origin: germline.
Comment: Not observed at significant frequency in large population cohorts (gnomAD); In silico analysis supports that this missense variant has a deleterious effect on protein structure/function; Has not been previously published as pathogenic or benign to our knowledge

Labcorp Genetics (formerly Invitae), Labcorp
Classification: Uncertain significance. Last evaluated: 2022-03-19. Review status: criteria provided, single submitter. Criteria: Invitae Variant Classification Sherloc (09022015). Collection method: clinical testing. Allele origin: germline.
Comment: This sequence change replaces proline, which is neutral and non-polar, with leucine, which is neutral and non-polar, at codon 1014 of the LAMC3 protein (p.Pro1014Leu). The frequency data for this variant in the population databases is considered unreliable, as metrics indicate poor data quality at this position in the gnomAD database. This variant has not been reported in the literature in individuals affected with LAMC3-related conditions. Algorithms developed to predict the effect of missense changes on protein structure and function are either unavailable or do not agree on the potential impact of this missense change (SIFT: "Deleterious"; PolyPhen-2: "Probably Damaging"; Align-GVGD: "Class C0"). In summary, the available evidence is currently insufficient to determine the role of this variant in disease. Therefore, it has been classified as a Variant of Uncertain Significance.

NM_006059.4(LAMC3):c.3041C>T (p.Pro1014Leu)

Gene: LAMC3 (laminin subunit gamma 3; plus strand). Cytogenetic location: 9q34.12.
Variant type: single nucleotide variant.
Coding change: c.3041C>T on transcript NM_006059.4 (MANE Select); coding-DNA position 3041, C replaced by T.
Protein change: p.Pro1014Leu; replaces proline 1014 with leucine.
Molecular consequence: missense variant.
Genome position (GRCh38, 1-based): chr9:131,069,822, C>T. VCF-style: chr9-131069822-C-T. GRCh37 (hg19) VCF-style: chr9-133945209-C-T.
Other names: short protein forms P1014L.
Identifiers: ClinVar variation 1355635 (VCV001355635.6), dbSNP rs774083353, ClinGen allele CA5287652.